The following is an entry in ClinVar:

NM_005360.5(MAF):c.535C>T (p.Pro179Ser)

Gene: MAF (MAF bZIP transcription factor; minus strand). Cytogenetic location: 16q23.2.
Variant type: single nucleotide variant.
Coding change: c.535C>T on transcript NM_005360.5 (MANE Select); coding-DNA position 535, C replaced by T.
Protein change: p.Pro179Ser; replaces proline 179 with serine.
Molecular consequence: missense variant.
Genome position (GRCh38, 1-based): chr16:79,599,368, G>A on the plus strand (C>T on the coding strand, the complement: MAF is on the minus strand). VCF-style: chr16-79599368-G-A. GRCh37 (hg19) VCF-style: chr16-79633265-G-A.
Other names: c.535C>T, p.Pro179Ser (NM_001031804.3); short protein forms P179S.
Identifiers: ClinVar variation 3769468 (VCV003769468.2).
Genomic context (GRCh38, chr16:79,599,368, plus strand): 5'-CGCCGGCCGTCGGGTGGTGGTGGTGGCCGGCGGCGTGGTGGTGGTGGTGGTGGTAGTGCG[G>A]GCCCGCGCCGCTCTGCGCGGCGGCCGCGGCGATCACGGCGGACACCACGGCGGCGGCGGG-3'
Protein context (NP_005351.2, residues 169-189): AAAAAQSGAG[Pro179Ser]HYHHHHHHAA

ClinVar aggregate classification (germline): Uncertain significance (1 of 4 stars; one submission).

Submission:

Women's Health and Genetics/Laboratory Corporation of America, LabCorp
Classification: Uncertain significance. Last evaluated: 2025-01-23. Review status: criteria provided, single submitter. Criteria: LabCorp Variant Classification Summary - May 2015. Collection method: clinical testing. Allele origin: germline.
Comment: Variant summary: MAF c.535C>T (p.Pro179Ser) results in a non-conservative amino acid change in the encoded protein sequence. Three of five in-silico tools predict a damaging effect of the variant on protein function. The variant allele was found at a frequency of 8.2e-05 in 24432 control chromosomes. The available data on variant occurrences in the general population are insufficient to allow any conclusion about variant significance. To our knowledge, no occurrence of c.535C>T in individuals affected with MAF-Related Disorders and no experimental evidence demonstrating its impact on protein function have been reported. No submitters have cited clinical-significance assessments for this variant to ClinVar. Based on the evidence outlined above, the variant was classified as uncertain significance.